The following is an entry in ClinVar:

NM_003849.4(SUCLG1):c.97+3G>A

Gene: SUCLG1 (succinate-CoA ligase GDP/ADP-forming subunit alpha; minus strand). Cytogenetic location: 2p11.2.
Variant type: single nucleotide variant.
Coding change: c.97+3G>A on transcript NM_003849.4 (MANE Select); 3 bases into the intron after coding-DNA position 97, G replaced by A.
Molecular consequence: intron variant.
Genome position (GRCh38, 1-based): chr2:84,459,170, C>T on the plus strand (G>A on the coding strand, the complement: SUCLG1 is on the minus strand). VCF-style: chr2-84459170-C-T. GRCh37 (hg19) VCF-style: chr2-84686294-C-T.
Identifiers: ClinVar variation 1967738 (VCV001967738.5), dbSNP rs786205871, ClinGen allele CA52257081.

ClinVar aggregate classification (germline): Uncertain significance (1 of 4 stars; one submission).

Conditions:
Mitochondrial DNA depletion syndrome 9 (MTDPS9). Also called: SUCLG1-Related Mitochondrial DNA Depletion Syndrome, Encephalomyopathic Form with Methylmalonic Aciduria. Identifiers: Orphanet 17, MedGen C3151476, MONDO:0009504, OMIM 245400.

Allele frequency attached by ClinVar (database versions not stated): gnomAD exomes 0.00001; TOPMed 0.00001.
gnomAD v4.1: 12 of 1,549,160 alleles (0.00077%); highest among the groups gnomAD compares: Middle Eastern, 0.017%; no homozygotes.

Submission:

Labcorp Genetics (formerly Invitae), Labcorp
Classification: Uncertain significance for Mitochondrial DNA depletion syndrome 9. Last evaluated: 2022-01-11. Review status: criteria provided, single submitter. Criteria: Invitae Variant Classification Sherloc (09022015). Collection method: clinical testing. Allele origin: germline.
Comment: In summary, the available evidence is currently insufficient to determine the role of this variant in disease. Therefore, it has been classified as a Variant of Uncertain Significance. This sequence change falls in intron 1 of the SUCLG1 gene. It does not directly change the encoded amino acid sequence of the SUCLG1 protein. It affects a nucleotide within the consensus splice site. This variant is present in population databases (no rsID available, gnomAD 0.01%). This variant has not been reported in the literature in individuals affected with SUCLG1-related conditions. Variants that disrupt the consensus splice site are a relatively common cause of aberrant splicing (PMID: 17576681, 9536098). Algorithms developed to predict the effect of sequence changes on RNA splicing suggest that this variant is not likely to affect RNA splicing.

Literature cited by the submitters: PubMed 17576681; PubMed 9536098.